The following is an entry in ClinVar:

NM_004836.7(EIF2AK3):c.1261_1262insTCTGTCACTAACGCAATTGGTA (p.Asn421delinsIleCysHisTer)

Gene: EIF2AK3 (eukaryotic translation initiation factor 2 alpha kinase 3; minus strand). Cytogenetic location: 2p11.2.
Variant type: Insertion.
Coding change: c.1261_1262insTCTGTCACTAACGCAATTGGTA on transcript NM_004836.7 (MANE Select); coding-DNA positions 1261 to 1262, TCTGTCACTAACGCAATTGGTA inserted.
Protein change: p.Asn421delinsIleCysHisTer.
Molecular consequence: nonsense.
Genome position: GRCh38 VCF-style: chr2-88588805-T-TTACCAATTGCGTTAGTGACAGA. GRCh37 (hg19) VCF-style: chr2-88888323-T-TTACCAATTGCGTTAGTGACAGA.
Other names: c.808_809insTCTGTCACTAACGCAATTGGTA, p.Asn270delinsIleCysHisTer (NM_001313915.2).
Identifiers: ClinVar variation 2809202 (VCV002809202.3), dbSNP rs2529165492, ClinGen allele CA2739271144.
Genomic context (GRCh38, chr2:88,588,805, plus strand): 5'-TTTACAATTCACTTACGAATTAAGGGTTTCCATTTGATTGTTGGTAAAGGAATAATTGCG[T>TTACCAATTGCGTTAGTGACAGA]TTTCATTAGTGACAGATTCCAAAGCCTTGGGACTTGAAGGAAACTTTTCTGAAATTCTGA-3'

ClinVar aggregate classification (germline): Pathogenic (1 of 4 stars; one submission).

Submission:

Labcorp Genetics (formerly Invitae), Labcorp
Classification: Pathogenic. Last evaluated: 2025-06-24. Review status: criteria provided, single submitter. Criteria: Invitae Variant Classification Sherloc (09022015). Collection method: clinical testing. Allele origin: germline.
Comment: This sequence change creates a premature translational stop signal (p.Asn421Ilefs*4) in the EIF2AK3 gene. It is expected to result in an absent or disrupted protein product. Loss-of-function variants in EIF2AK3 are known to be pathogenic (PMID: 11997520). This variant is not present in population databases (gnomAD no frequency). This variant has not been reported in the literature in individuals affected with EIF2AK3-related conditions. ClinVar contains an entry for this variant (Variation ID: 2809202). For these reasons, this variant has been classified as Pathogenic.

Literature cited by the submitters: PubMed 11997520.